The following is an entry in ClinVar:

ClinVar aggregate classification (germline): Pathogenic. Review status: criteria provided, multiple submitters, no conflicts (2 of 4 stars). 5 submissions from 5 submitters: Pathogenic (5). Last evaluated 2025-01-29.

Conditions:
CHD2-related disorder. Also called: CHD2-related condition.
Developmental and epileptic encephalopathy 94 (DEE94). Also called: Epileptic encephalopathy, childhood-onset; CHD2-Related Neurodevelopmental Disorders. Identifiers: Orphanet 1942, Orphanet 2382, MedGen C3809278, MONDO:0014150, OMIM 615369.
Intellectual disability. Also called: Intellectual functioning disability; intellectual disabilities; Intellectual developmental disorder. Identifiers: MedGen C3714756, MeSH D008607, MONDO:0001071, HP:0001249.

Submissions (5):

GeneDx
Classification: Pathogenic. Last evaluated: 2025-01-29. Review status: criteria provided, single submitter. Criteria: GeneDx Variant Classification Process June 2021. Collection method: clinical testing. Allele origin: germline. Affected: yes.
Comment: Nonsense variant predicted to result in protein truncation or nonsense mediated decay in a gene for which loss of function is a known mechanism of disease; Not observed at significant frequency in large population cohorts (gnomAD); This variant is associated with the following publications: (PMID: 33176815, 34363551, 35774528, 31677157)

Labcorp Genetics (formerly Invitae), Labcorp
Classification: Pathogenic for Developmental and epileptic encephalopathy 94. Last evaluated: 2025-01-22. Review status: criteria provided, single submitter. Criteria: Invitae Variant Classification Sherloc (09022015). Collection method: clinical testing. Allele origin: germline.
Comment: This sequence change creates a premature translational stop signal (p.Arg1546*) in the CHD2 gene. It is expected to result in an absent or disrupted protein product. Loss-of-function variants in CHD2 are known to be pathogenic (PMID: 23708187, 24207121). This variant is not present in population databases (gnomAD no frequency). This premature translational stop signal has been observed in individual(s) with clinical features of childhood-onset epileptic encephalopathy (PMID: 31677157, 33176815). ClinVar contains an entry for this variant (Variation ID: 423473). For these reasons, this variant has been classified as Pathogenic.

Dasa
Classification: Pathogenic. Last evaluated: 2024-08-13. Review status: criteria provided, single submitter. Criteria: DASA Assertion Criteria. Collection method: clinical testing. Allele origin: germline.
Comment: NM_001271.4(CHD2):c.4636C>T (p.Arg1546*) introduces a premature termination codon predicted to result in loss of normal protein function. Loss-of-function is an established mechanism of disease for this gene. This variant has been reported in individuals with related phenotype. The variant is present at low frequency in population datasets. Based on the available data, this variant is classified as pathogenic.

Blueprint Genetics
Classification: Pathogenic for CHD2-related disorders. Last evaluated: 2022-08-12. Review status: criteria provided, single submitter. Criteria: ACMG Guidelines, 2015. Collection method: clinical testing. Allele origin: germline. Affected: yes. Observed: 1 variant allele.

Cambridge Genomics Laboratory, East Genomic Laboratory Hub, NHS Genomic Medicine Service
Classification: Pathogenic for Intellectual disability. Last evaluated: 2019-08-06. Review status: criteria provided, single submitter. Criteria: ACGS Best Practice Guidelines for Variant Classification in Rare Disease 2020. Collection method: clinical testing. Allele origin: germline. Affected: yes. Observed: 1 variant allele.

Literature cited by the submitters: PubMed 23708187 (cited by Labcorp Genetics (formerly Invitae), Labcorp); PubMed 24207121 (cited by Labcorp Genetics (formerly Invitae), Labcorp); PubMed 31677157 (cited by Labcorp Genetics (formerly Invitae), Labcorp); PubMed 33176815 (cited by Labcorp Genetics (formerly Invitae), Labcorp).

NM_001271.4(CHD2):c.4636C>T (p.Arg1546Ter)

Gene: CHD2 (chromodomain helicase DNA binding protein 2; plus strand). Cytogenetic location: 15q26.1.
Variant type: single nucleotide variant.
Coding change: c.4636C>T on transcript NM_001271.4 (MANE Select); coding-DNA position 4636, C replaced by T.
Protein change: p.Arg1546Ter; replaces arginine 1546 with a stop codon.
Molecular consequence: nonsense.
Genome position (GRCh38, 1-based): chr15:93,012,388, C>T. VCF-style: chr15-93012388-C-T. GRCh37 (hg19) VCF-style: chr15-93555618-C-T.
Other names: short protein forms R1546*.
Identifiers: ClinVar variation 423473 (VCV000423473.10), dbSNP rs1064796449, ClinGen allele CA16620058.